The following is an entry in ClinVar:

ClinVar aggregate classification (germline): Uncertain significance (1 of 4 stars; one submission).

Allele frequency attached by ClinVar (database versions not stated): gnomAD exomes below 0.00001.
gnomAD v4.1: 3 of 1,614,192 alleles (0.00019%); highest among the groups gnomAD compares: Non-Finnish European, 0.00025%; no homozygotes.

Submission:

Labcorp Genetics (formerly Invitae), Labcorp
Classification: Uncertain significance. Last evaluated: 2023-10-05. Review status: criteria provided, single submitter. Criteria: Invitae Variant Classification Sherloc (09022015). Collection method: clinical testing. Allele origin: germline.
Comment: This sequence change replaces glycine, which is neutral and non-polar, with tryptophan, which is neutral and slightly polar, at codon 49 of the ROR2 protein (p.Gly49Trp). This variant is not present in population databases (gnomAD no frequency). This variant has not been reported in the literature in individuals affected with ROR2-related conditions. Advanced modeling of protein sequence and biophysical properties (such as structural, functional, and spatial information, amino acid conservation, physicochemical variation, residue mobility, and thermodynamic stability) performed at Invitae indicates that this missense variant is not expected to disrupt ROR2 protein function. In summary, the available evidence is currently insufficient to determine the role of this variant in disease. Therefore, it has been classified as a Variant of Uncertain Significance.

NM_004560.4(ROR2):c.145G>T (p.Gly49Trp)

Gene: ROR2 (receptor tyrosine kinase like orphan receptor 2; minus strand). Cytogenetic location: 9q22.31.
Variant type: single nucleotide variant.
Coding change: c.145G>T on transcript NM_004560.4 (MANE Select); coding-DNA position 145, G replaced by T.
Protein change: p.Gly49Trp; replaces glycine 49 with tryptophan.
Molecular consequence: missense variant.
Genome position (GRCh38, 1-based): chr9:91,775,771, C>A on the plus strand (G>T on the coding strand, the complement: ROR2 is on the minus strand). VCF-style: chr9-91775771-C-A. GRCh37 (hg19) VCF-style: chr9-94538053-C-A.
Other names: c.145G>T, p.Gly49Trp (NM_001318204.2); short protein forms G49W.
Identifiers: ClinVar variation 2879717 (VCV002879717.3), dbSNP rs1826398060, ClinGen allele CA373841100.